The following is an entry in ClinVar:

NM_001386795.1(DTNA):c.1744-10G>T

Gene: DTNA (dystrobrevin alpha; plus strand). Cytogenetic location: 18q12.1.
Variant type: single nucleotide variant.
Coding change: c.1744-10G>T on transcript NM_001386795.1 (MANE Select); 10 bases into the intron before coding-DNA position 1744, G replaced by T.
Molecular consequence: intron variant.
Genome position (GRCh38, 1-based): chr18:34,875,229, G>T. VCF-style: chr18-34875229-G-T. GRCh37 (hg19) VCF-style: chr18-32455193-G-T.
Other names: c.1492-10G>T (NM_032975.4, NM_001386761.1); c.1489-10G>T (NM_001386762.1); c.1573-10G>T (NM_001386754.1, NM_001386755.1, NM_001386757.1 and 3 more transcripts); c.1570-10G>T (NM_001386760.1); c.1483-10G>T (NM_001386763.1, NM_001386764.1, NM_001198940.2 and 5 more transcripts); c.1480-10G>T (NM_001386768.1, NM_001386769.1); c.1504-10G>T (NM_001198939.2); c.1744-10G>T (NM_001386788.1); and 5 more.
Identifiers: ClinVar variation 46417 (VCV000046417.24), dbSNP rs192561043, ClinGen allele CA138301.

ClinVar aggregate classification (germline): Benign/Likely benign. Review status: criteria provided, multiple submitters, no conflicts (2 of 4 stars). 10 submissions from 10 submitters: Benign (5); Likely benign (2). 3 of the submissions do not count toward it. Last evaluated 2026-02-01.

Conditions:
DTNA-related disorder. Also called: DTNA-related condition.
Left ventricular noncompaction 1 (LVNC1). Also called: LEFT VENTRICULAR NONCOMPACTION 1 WITH OR WITHOUT CONGENITAL HEART DEFECTS. Identifiers: Orphanet 54260, MedGen C1858725, MONDO:0011403, OMIM 604169.

Allele frequency attached by ClinVar (database versions not stated): 1000 Genomes Project 0.00080; 1000 Genomes Project 30x 0.00109; TOPMed 0.00191.
gnomAD v4.1: 3,613 of 1,613,302 alleles (0.22%); highest among the groups gnomAD compares: Non-Finnish European, 0.24%; 7 homozygotes.

Submissions (10):

Labcorp Genetics (formerly Invitae), Labcorp
Classification: Benign for Left ventricular noncompaction 1. Last evaluated: 2026-02-01. Review status: criteria provided, single submitter. Criteria: Invitae Variant Classification Sherloc (09022015). Collection method: clinical testing. Allele origin: germline.

Blueprint Genetics
Classification: Likely benign. Last evaluated: 2024-11-08. Review status: criteria provided, single submitter. Criteria: ACMG Guidelines, 2015. Collection method: clinical testing. Allele origin: germline.

ARUP Laboratories, Molecular Genetics and Genomics, ARUP Laboratories
Classification: Benign for Left ventricular noncompaction 1. Last evaluated: 2023-09-22. Review status: criteria provided, single submitter. Criteria: ARUP Molecular Germline Variant Investigation Process 2024. Collection method: clinical testing. Allele origin: germline.

Genome Diagnostics Laboratory, University Medical Center Utrecht
Classification: Benign for Left ventricular noncompaction 1. Last evaluated: 2016-05-04. Review status: criteria provided, single submitter. Criteria: ACGS Guidelines, 2013. Collection method: clinical testing. Allele origin: germline. Affected: yes. Study: VKGL Data-share Consensus.

Women's Health and Genetics/Laboratory Corporation of America, LabCorp
Classification: Benign. Last evaluated: 2016-01-25. Review status: criteria provided, single submitter. Criteria: LabCorp Variant Classification Summary - May 2015. Collection method: clinical testing. Allele origin: germline.

GeneDx
Classification: Benign. Last evaluated: 2014-08-13. Review status: criteria provided, single submitter. Criteria: GeneDx Variant Classification (06012015). Collection method: clinical testing. Allele origin: germline. Affected: yes.
Comment: This variant is considered likely benign or benign based on one or more of the following criteria: it is a conservative change, it occurs at a poorly conserved position in the protein, it is predicted to be benign by multiple in silico algorithms, and/or has population frequency not consistent with disease.

Laboratory for Molecular Medicine, Mass General Brigham Personalized Medicine
Classification: Likely benign. Last evaluated: 2012-04-03. Review status: criteria provided, single submitter. Criteria: LMM Criteria. Collection method: clinical testing. Allele origin: germline. Observed: 13 variant alleles.
Comment: c.1492-10G>T in intron 16 of DTNA: This variant is not expected to have clinical significance because it has been identified in 0.3% (173/66336) of European chr omosomes by the Exome Aggregation Consortium (ExAC, rg/; dbSNP rs192561043).

PreventionGenetics, part of Exact Sciences
Classification: Benign for DTNA-related condition. Last evaluated: 2019-08-03. Review status: no assertion criteria provided. Collection method: clinical testing. Allele origin: germline. Not counted in ClinVar's aggregate classification.
Comment: This variant is classified as benign based on ACMG/AMP sequence variant interpretation guidelines (Richards et al. 2015 PMID: 25741868, with internal and published modifications).

Clinical Genetics DNA and cytogenetics Diagnostics Lab, Erasmus MC, Erasmus Medical Center
Classification: Likely benign. Review status: no assertion criteria provided. Collection method: clinical testing. Allele origin: germline. Affected: yes. Study: VKGL Data-share Consensus. Not counted in ClinVar's aggregate classification.

Diagnostic Laboratory, Department of Genetics, University Medical Center Groningen
Classification: Likely benign for Left ventricular noncompaction 1. Review status: no assertion criteria provided. Collection method: clinical testing. Allele origin: germline. Affected: yes. Study: VKGL Data-share Consensus. Not counted in ClinVar's aggregate classification.